The following is an entry in ClinVar:

NM_000038.6(APC):c.3002del (p.Pro1001fs)

Gene: APC (APC regulator of Wnt signaling pathway; plus strand). Cytogenetic location: 5q22.2.
Variant type: Deletion.
Coding change: c.3002del on transcript NM_000038.6 (MANE Select); coding-DNA position 3002, one base deleted (C; older notation c.3002delC).
Protein change: p.Pro1001fs; shifts the reading frame from proline 1001.
Molecular consequence: frameshift variant.
Genome position (GRCh38, 1-based): chr5:112,838,596, C deleted; the last of 3 consecutive C bases (chr5:112,838,594-112,838,596); deleting any one gives the same sequence. VCF-style (leftmost placement, unchanged base first): chr5-112838593-AC-A. GRCh37 (hg19) VCF-style: chr5-112174290-AC-A.
Other names: c.3002del, p.Pro1001fs (NM_001127510.3, NM_001354895.2); c.2948del, p.Pro983fs (NM_001127511.3); c.3056del, p.Pro1019fs (NM_001354896.2); c.3032del, p.Pro1011fs (NM_001354897.2); c.2927del, p.Pro976fs (NM_001354898.2); c.2918del, p.Pro973fs (NM_001354899.2); c.2879del, p.Pro960fs (NM_001354900.2); c.2825del, p.Pro942fs (NM_001354901.2); and 5 more; short protein forms P1001fs, P1011fs, P910fs, P1019fs, P718fs, P983fs, P875fs, P900fs.
Identifiers: ClinVar variation 428147 (VCV000428147.12), dbSNP rs1114167586, ClinGen allele CA645369366.

ClinVar aggregate classification (germline): Pathogenic. Review status: criteria provided, multiple submitters, no conflicts (2 of 4 stars). 3 submissions from 3 submitters: Pathogenic (3). Last evaluated 2025-12-19.

Conditions:
Hereditary cancer-predisposing syndrome. Also called: Neoplastic Syndromes, Hereditary; Tumor predisposition; Hereditary neoplastic syndrome; Hereditary Cancer Syndrome. Identifiers: Orphanet 140162, MedGen C0027672, MeSH D009386, MONDO:0015356.
Familial adenomatous polyposis 1 (FAP1). Also called: FAMILIAL ADENOMATOUS POLYPOSIS 1, ATTENUATED; POLYPOSIS, ADENOMATOUS INTESTINAL. Identifiers: MedGen C2713442, MONDO:0021056, OMIM 175100. Disease mechanism: loss of function.

Submissions (3):

Ambry Genetics
Classification: Pathogenic for Hereditary cancer-predisposing syndrome. Last evaluated: 2025-12-19. Review status: criteria provided, single submitter. Criteria: Ambry Variant Classification Scheme 2023. Collection method: clinical testing. Allele origin: germline.
Comment: The c.3002delC pathogenic mutation, located in coding exon 15 of the APC gene, results from a deletion of one nucleotide at nucleotide position 3002, causing a translational frameshift with a predicted alternate stop codon (p.P1001Qfs*4). This variant was reported in individuals with features consistent with APC-related familial adenomatous polyposis (Lagarde A et al, J. Med. Genet. 2010 Oct; 47(10):721-2; Ambry internal data). This variant is considered to be rare based on population cohorts in the Genome Aggregation Database (gnomAD). In addition to this clinical data presented in the literature, this alteration is expected to result in loss of function by premature protein truncation or nonsense-mediated mRNA decay. As such, this alteration is interpreted as a disease-causing mutation.

Myriad Genetics, Inc.
Classification: Pathogenic for Familial adenomatous polyposis 1. Last evaluated: 2023-05-05. Review status: criteria provided, single submitter. Criteria: Myriad Autosomal Dominant, Autosomal Recessive and X-Linked Classification Criteria (2023). Collection method: clinical testing. Allele origin: unknown.
Comment: This variant is considered pathogenic. This variant creates a frameshift predicted to result in premature protein truncation.

Labcorp Genetics (formerly Invitae), Labcorp
Classification: Pathogenic for Familial adenomatous polyposis 1. Last evaluated: 2022-05-22. Review status: criteria provided, single submitter. Criteria: Invitae Variant Classification Sherloc (09022015). Collection method: clinical testing. Allele origin: germline.
Comment: This variant is expected to disrupt the EB1 and HDLG binding sites, which mediate interactions with the cytoskeleton (PMID: 15311282, 17293347). While functional studies have not been performed to directly test the effect on APC protein function, this suggests that disruption of the C-terminal portion of the protein is functionally important. For these reasons, this variant has been classified as Pathogenic. A different truncation (p.Tyr2645Lysfs*14) that lies downstream of this variant has been determined to be pathogenic (PMID: 9824584, 1316610, 27081525, 8381579, 22135120, Invitae). This suggests that deletion of this region of the APC protein is causative of disease. ClinVar contains an entry for this variant (Variation ID: 428147). This premature translational stop signal has been observed in individual(s) with clinical features of familial adenomatous polyposis (PMID: 20685668). This variant is not present in population databases (gnomAD no frequency). This sequence change creates a premature translational stop signal (p.Pro1001Glnfs*4) in the APC gene. While this is not anticipated to result in nonsense mediated decay, it is expected to disrupt the last 1843 amino acid(s) of the APC protein.

Literature cited by the submitters: PubMed 20685668 (cited by Ambry Genetics and Labcorp Genetics (formerly Invitae), Labcorp); PubMed 15311282 (cited by Labcorp Genetics (formerly Invitae), Labcorp); PubMed 17293347 (cited by Labcorp Genetics (formerly Invitae), Labcorp); PubMed 9824584 (cited by Labcorp Genetics (formerly Invitae), Labcorp); PubMed 1316610 (cited by Labcorp Genetics (formerly Invitae), Labcorp); PubMed 27081525 (cited by Labcorp Genetics (formerly Invitae), Labcorp); PubMed 8381579 (cited by Labcorp Genetics (formerly Invitae), Labcorp); PubMed 22135120 (cited by Labcorp Genetics (formerly Invitae), Labcorp).